The following is an entry in ClinVar:

ClinVar aggregate classification (germline): Uncertain significance (1 of 4 stars; one submission).

gnomAD v4.1: 3 of 1,613,588 alleles (0.00019%); highest among the groups gnomAD compares: Non-Finnish European, 0.00025%; no homozygotes.

Submission:

Labcorp Genetics (formerly Invitae), Labcorp
Classification: Uncertain significance. Last evaluated: 2021-12-01. Review status: criteria provided, single submitter. Criteria: Invitae Variant Classification Sherloc (09022015). Collection method: clinical testing. Allele origin: germline.
Comment: This sequence change replaces histidine, which is basic and polar, with arginine, which is basic and polar, at codon 944 of the CCDC88A protein (p.His944Arg). This variant is not present in population databases (gnomAD no frequency). This variant has not been reported in the literature in individuals affected with CCDC88A-related conditions. Algorithms developed to predict the effect of missense changes on protein structure and function output the following: SIFT: "Tolerated"; PolyPhen-2: "Benign"; Align-GVGD: "Class C0". The arginine amino acid residue is found in multiple mammalian species, which suggests that this missense change does not adversely affect protein function. In summary, the available evidence is currently insufficient to determine the role of this variant in disease. Therefore, it has been classified as a Variant of Uncertain Significance.

NM_001365480.1(CCDC88A):c.2831A>G (p.His944Arg)

Gene: CCDC88A (coiled-coil domain containing 88A; minus strand). Cytogenetic location: 2p16.1.
Variant type: single nucleotide variant.
Coding change: c.2831A>G on transcript NM_001365480.1 (MANE Select); coding-DNA position 2831, A replaced by G.
Protein change: p.His944Arg; replaces histidine 944 with arginine.
Molecular consequence: missense variant.
Genome position (GRCh38, 1-based): chr2:55,332,590, T>C on the plus strand (A>G on the coding strand, the complement: CCDC88A is on the minus strand). VCF-style: chr2-55332590-T-C. GRCh37 (hg19) VCF-style: chr2-55559726-T-C.
Other names: c.2831A>G, p.His944Arg (NM_001135597.2, NM_001254943.2, NM_018084.5); short protein forms H944R.
Identifiers: ClinVar variation 1493607 (VCV001493607.3), dbSNP rs2104683128, ClinGen allele CA346896738.